The following is an entry in ClinVar:

NM_052947.4(ALPK2):c.1377A>C (p.Glu459Asp)

Gene: ALPK2 (alpha kinase 2; minus strand). Cytogenetic location: 18q21.31.
Variant type: single nucleotide variant.
Coding change: c.1377A>C on transcript NM_052947.4 (MANE Select); coding-DNA position 1377, A replaced by C.
Protein change: p.Glu459Asp; replaces glutamic acid 459 with aspartic acid.
Molecular consequence: missense variant.
Genome position (GRCh38, 1-based): chr18:58,579,399, T>G on the plus strand (A>C on the coding strand, the complement: ALPK2 is on the minus strand). VCF-style: chr18-58579399-T-G. GRCh37 (hg19) VCF-style: chr18-56246631-T-G.
Other names: short protein forms E459D.
Identifiers: ClinVar variation 1771182 (VCV001771182.2), dbSNP rs1309915952, ClinGen allele CA402563300.

ClinVar aggregate classification (germline): Uncertain significance (1 of 4 stars; one submission).

Allele frequency attached by ClinVar (database versions not stated): gnomAD exomes below 0.00001; TOPMed below 0.00001.
gnomAD v4.1: 1 of 1,614,172 alleles (0.000062%); highest among the groups gnomAD compares: African/African-American, 0.0013%; no homozygotes.

Submission:

Ambry Genetics
Classification: Uncertain significance. Last evaluated: 2024-02-01. Review status: criteria provided, single submitter. Criteria: Ambry Variant Classification Scheme 2023. Collection method: clinical testing. Allele origin: germline.
Comment: The p.E459D variant (also known as c.1377A>C), located in coding exon 3 of the ALPK2 gene, results from an A to C substitution at nucleotide position 1377. The glutamic acid at codon 459 is replaced by aspartic acid, an amino acid with highly similar properties. This amino acid position is conserved. In addition, this alteration is predicted to be tolerated by in silico analysis. Since supporting evidence is limited at this time, the clinical significance of this alteration remains unclear.